The following is an entry in ClinVar:

NM_153638.4(PANK2):c.95C>T (p.Thr32Ile)

Gene: PANK2 (pantothenate kinase 2; plus strand). Cytogenetic location: 20p13.
Variant type: single nucleotide variant.
Coding change: c.95C>T on transcript NM_153638.4; coding-DNA position 95, C replaced by T.
Protein change: p.Thr32Ile; replaces threonine 32 with isoleucine.
Molecular consequence: missense variant. On other transcripts: intron variant (1).
Genome position (GRCh38, 1-based): chr20:3,889,195, C>T. VCF-style: chr20-3889195-C-T. GRCh37 (hg19) VCF-style: chr20-3869842-C-T.
Other names: c.95C>T, p.Thr32Ile (NM_001324192.1); c.-246+291C>T (NM_024960.6); short protein forms T32I.
Identifiers: ClinVar variation 1370233 (VCV001370233.5), dbSNP rs530609127, ClinGen allele CA9750480.

ClinVar aggregate classification (germline): Uncertain significance. Review status: criteria provided, multiple submitters, no conflicts (2 of 4 stars). 3 submissions from 3 submitters: Uncertain significance (3). Last evaluated 2024-12-05.

Conditions:
Pigmentary pallidal degeneration (NBIA1). Also called: Neurodegeneration with brain iron accumulation 1; PKAN NEUROAXONAL DYSTROPHY, JUVENILE-ONSET; HARP SYNDROME; Pantothenate Kinase-Associated Neurodegeneration; Neuroaxonal dystrophy, late infantile; Hallervorden-Spatz disease. Identifiers: Orphanet 157850, MedGen C0018523, MONDO:0009319, OMIM 234200.
Inborn genetic diseases. Identifiers: MedGen C0950123, MeSH D030342.

Allele frequency attached by ClinVar (database versions not stated): TOPMed below 0.00001; 1000 Genomes Project 30x 0.00031; gnomAD 0.00001; gnomAD exomes 0.00002 and 0.00003; ExAC 0.00008; 1000 Genomes Project 0.00040.
gnomAD v4.1: 26 of 1,612,222 alleles (0.0016%); highest among the groups gnomAD compares: South Asian, 0.02%; no homozygotes.

Submissions (3):

GeneDx
Classification: Uncertain significance. Last evaluated: 2024-12-05. Review status: criteria provided, single submitter. Criteria: GeneDx Variant Classification Process June 2021. Collection method: clinical testing. Allele origin: germline. Affected: yes.
Comment: In silico analysis indicates that this missense variant does not alter protein structure/function; Has not been previously published as pathogenic or benign to our knowledge

Ambry Genetics
Classification: Uncertain significance for Inborn genetic diseases. Last evaluated: 2022-04-15. Review status: criteria provided, single submitter. Criteria: Ambry Variant Classification Scheme 2023. Collection method: clinical testing. Allele origin: germline.

Labcorp Genetics (formerly Invitae), Labcorp
Classification: Uncertain significance for Pigmentary pallidal degeneration. Last evaluated: 2021-12-02. Review status: criteria provided, single submitter. Criteria: Invitae Variant Classification Sherloc (09022015). Collection method: clinical testing. Allele origin: germline.
Comment: This sequence change replaces threonine, which is neutral and polar, with isoleucine, which is neutral and non-polar, at codon 32 of the PANK2 protein (p.Thr32Ile). This variant is present in population databases (rs530609127, gnomAD 0.02%). This variant has not been reported in the literature in individuals affected with PANK2-related conditions. Algorithms developed to predict the effect of missense changes on protein structure and function (SIFT, PolyPhen-2, Align-GVGD) all suggest that this variant is likely to be tolerated. In summary, the available evidence is currently insufficient to determine the role of this variant in disease. Therefore, it has been classified as a Variant of Uncertain Significance.